The following is an entry in ClinVar:

ClinVar aggregate classification (germline): Likely benign (0 of 4 stars; one submission).

Conditions:
DSPP-related disorder. Also called: DSPP-related condition.

gnomAD v4.1: 4 of 1,613,838 alleles (0.00025%); highest among the groups gnomAD compares: Admixed American, 0.0017%; no homozygotes.

Submission:

PreventionGenetics, part of Exact Sciences
Classification: Likely benign for DSPP-related condition. Last evaluated: 2019-03-25. Review status: no assertion criteria provided. Collection method: clinical testing. Allele origin: germline.
Comment: This variant is classified as likely benign based on ACMG/AMP sequence variant interpretation guidelines (Richards et al. 2015 PMID: 25741868, with internal and published modifications).

NM_014208.3(DSPP):c.786T>C (p.Asp262=)

Genes: DMP1-AS1 (DMP1 and DSPP antisense RNA 1; minus strand), DSPP (dentin sialophosphoprotein; plus strand). Cytogenetic location: 4q22.1.
Variant type: single nucleotide variant.
Coding change: c.786T>C on transcript NM_014208.3 (MANE Select); coding-DNA position 786, T replaced by C.
Protein change: p.Asp262=; no amino-acid change (aspartic acid 262 retained).
Molecular consequence: synonymous variant.
Genome position (GRCh38, 1-based): chr4:87,612,972, T>C. VCF-style: chr4-87612972-T-C. GRCh37 (hg19) VCF-style: chr4-88534124-T-C.
Identifiers: ClinVar variation 3047228 (VCV003047228.2), dbSNP rs2475881870, ClinGen allele CA440294618.